The following is an entry in ClinVar:

ClinVar aggregate classification (germline): Uncertain significance (1 of 4 stars; one submission).

Conditions:
Hereditary cancer-predisposing syndrome. Also called: Hereditary Cancer Syndrome; Hereditary neoplastic syndrome; Neoplastic Syndromes, Hereditary; Tumor predisposition. Identifiers: Orphanet 140162, MedGen C0027672, MeSH D009386, MONDO:0015356.

Submission:

Ambry Genetics
Classification: Uncertain significance for Hereditary cancer-predisposing syndrome. Last evaluated: 2018-11-14. Review status: criteria provided, single submitter. Criteria: Ambry Autosomal Dominant and X-Linked criteria (3/2017). Collection method: clinical testing. Allele origin: germline. Observed: 1 variant allele.
Comment: The EX4_7dup gross duplication spans coding exons 4 through 7 in the BRCA1 gene; however, the exact breakpoints of the duplication were not determined. This alteration has been proven in tandem in at least one individual; however it is unclear whether this duplication is predicted to disrupt BRCA1 gene function (Ambry internal data). Since supporting evidence is limited at this time, the clinical significance of this alteration remains unclear.

NM_007294.3:c.(212+1_213-1)_(593+1_594-1)dup

Gene: BRCA1 (BRCA1 DNA repair associated; minus strand).
Variant type: Duplication.
Identifiers: ClinVar variation 1065540 (VCV001065540.2).